The following is an entry in ClinVar:

ClinVar aggregate classification (germline): Uncertain significance (1 of 4 stars; one submission).

Allele frequency attached by ClinVar (database versions not stated): gnomAD exomes below 0.00001 and 0.00003; ExAC 0.00003.
gnomAD v4.1: 5 of 1,211,183 alleles (0.00041%); highest among the groups gnomAD compares: Admixed American, 0.011%; no homozygotes.

Submission:

Labcorp Genetics (formerly Invitae), Labcorp
Classification: Uncertain significance. Last evaluated: 2021-11-06. Review status: criteria provided, single submitter. Criteria: Invitae Variant Classification Sherloc (09022015). Collection method: clinical testing. Allele origin: germline.
Comment: This sequence change affects codon 5 of the NYX mRNA. It is a 'silent' change, meaning that it does not change the encoded amino acid sequence of the NYX protein. This variant is present in population databases (rs780392632, gnomAD 0.02%). This variant has not been reported in the literature in individuals affected with NYX-related conditions. Algorithms developed to predict the effect of sequence changes on RNA splicing suggest that this variant may create or strengthen a splice site. In summary, the available evidence is currently insufficient to determine the role of this variant in disease. Therefore, it has been classified as a Variant of Uncertain Significance.

NM_001378477.3(NYX):c.-1G>T

Gene: NYX (nyctalopin; plus strand). Cytogenetic location: Xp11.4.
Variant type: single nucleotide variant.
Coding change: c.-1G>T on transcript NM_001378477.3 (MANE Select); 1 bases upstream of the start codon, G replaced by T.
Molecular consequence: 5 prime UTR variant.
Genome position (GRCh38, 1-based): chrX:41,447,904, G>T. VCF-style: chrX-41447904-G-T. GRCh37 (hg19) VCF-style: chrX-41307157-G-T.
Other names: c.-1G>T (NM_022567.3).
Identifiers: ClinVar variation 1488103 (VCV001488103.6), dbSNP rs780392632, ClinGen allele CA10389767.